The following is an entry in ClinVar:

NM_003119.4(SPG7):c.694del (p.Glu232fs)

Gene: SPG7 (SPG7 matrix AAA peptidase subunit, paraplegin; plus strand). Cytogenetic location: 16q24.3.
Variant type: Deletion.
Coding change: c.694del on transcript NM_003119.4 (MANE Select); coding-DNA position 694, one base deleted (G; older notation c.694delG).
Protein change: p.Glu232fs; shifts the reading frame from glutamic acid 232.
Molecular consequence: frameshift variant.
Genome position (GRCh38, 1-based): chr16:89,526,404, G deleted. VCF-style (leftmost placement, unchanged base first): chr16-89526403-TG-T. GRCh37 (hg19) VCF-style: chr16-89592811-TG-T.
Other names: c.694del, p.Glu232fs (NM_001363850.1, NM_199367.3); short protein forms E232fs.
Identifiers: ClinVar variation 3242470 (VCV003242470.1).

ClinVar aggregate classification (germline): Likely pathogenic. Review status: criteria provided, single submitter (1 of 4 stars). 2 submissions from 2 submitters: Likely pathogenic (1). 1 of the submissions does not count toward it. Last evaluated 2022-01-01.

Conditions:
Retinal dystrophy. Also called: Inherited retinal dystrophy. Identifiers: Orphanet 71862, MedGen C0854723, MeSH D058499, MONDO:0019118, HP:0000556.
Hereditary spastic paraplegia 7 (SPG7). Also called: Autosomal recessive spastic paraplegia type 7; SPASTIC PARAPLEGIA 7, AUTOSOMAL RECESSIVE, WITH OR WITHOUT CEREBELLAR ATAXIA; Spastic paraplegia 7; Hereditary spastic paraplegia Paraplegin type; SPG7-related neurologic disorder. Identifiers: Orphanet 99013, MedGen C1846564, MONDO:0011803, OMIM 607259.

Submissions (2):

PROSPAX: an integrated multimodal progression  chart in spastic ataxias, Center for Neurology; Hertie-Institute for Clinical Brain Research
Classification: Likely pathogenic for Hereditary spastic paraplegia 7. Last evaluated: 2022-01-01. Review status: criteria provided, single submitter. Criteria: ACMG Guidelines, 2015. Collection method: research. Allele origin: germline. Affected: yes.
Comment: Variant seen in compound het: [c.694del;c.1529C>T]

Institute of Human Genetics, Univ. Regensburg, Univ. Regensburg
Classification: Pathogenic for Retinal dystrophy. Last evaluated: 2023-01-01. Review status: no assertion criteria provided. Criteria: ACMG Guidelines, 2015. Collection method: clinical testing. Allele origin: germline. Affected: yes. Not counted in ClinVar's aggregate classification.